The following is an entry in ClinVar:

NM_004006.3(DMD):c.2199C>A (p.Ser733Arg)

Gene: DMD (dystrophin; minus strand). Cytogenetic location: Xp21.1.
Variant type: single nucleotide variant.
Coding change: c.2199C>A on transcript NM_004006.3 (MANE Select); coding-DNA position 2199, C replaced by A.
Protein change: p.Ser733Arg; replaces serine 733 with arginine.
Molecular consequence: missense variant.
Genome position (GRCh38, 1-based): chrX:32,518,101, G>T on the plus strand (C>A on the coding strand, the complement: DMD is on the minus strand). VCF-style: chrX-32518101-G-T. GRCh37 (hg19) VCF-style: chrX-32536218-G-T.
Other names: c.2175C>A, p.Ser725Arg (NM_000109.4); c.2187C>A, p.Ser729Arg (NM_004009.3); c.1830C>A, p.Ser610Arg (NM_004010.3); short protein forms S610R, S725R, S729R, S733R.
Identifiers: ClinVar variation 3769661 (VCV003769661.1).

ClinVar aggregate classification (germline): Uncertain significance (1 of 4 stars; one submission).

Submission:

GeneDx
Classification: Uncertain significance. Last evaluated: 2024-09-16. Review status: criteria provided, single submitter. Criteria: GeneDx Variant Classification Process June 2021. Collection method: clinical testing. Allele origin: germline. Affected: yes.
Comment: Not observed at significant frequency in large population cohorts (gnomAD); In silico analysis indicates that this missense variant does not alter protein structure/function; Has not been previously published as pathogenic or benign to our knowledge